The following is an entry in ClinVar:

NM_001354604.2(MITF):c.1195G>A (p.Ala399Thr)

Gene: MITF (melanocyte inducing transcription factor; plus strand). Cytogenetic location: 3p13.
Variant type: single nucleotide variant.
Coding change: c.1195G>A on transcript NM_001354604.2 (MANE Select); coding-DNA position 1195, G replaced by A.
Protein change: p.Ala399Thr; replaces alanine 399 with threonine.
Molecular consequence: missense variant.
Genome position (GRCh38, 1-based): chr3:69,964,862, G>A. VCF-style: chr3-69964862-G-A. GRCh37 (hg19) VCF-style: chr3-70014013-G-A.
Other names: c.874G>A, p.Ala292Thr (NM_000248.4); c.1021G>A, p.Ala341Thr (NM_001184967.2, NM_001354608.2); c.1192G>A, p.Ala398Thr (NM_001354605.2); c.1174G>A, p.Ala392Thr (NM_001354606.2, NM_006722.3); c.1126G>A, p.Ala376Thr (NM_001354607.2); c.856G>A, p.Ala286Thr (NM_198158.3); c.1177G>A, p.Ala393Thr (NM_198159.3); c.1129G>A, p.Ala377Thr (NM_198177.3); and 1 more; short protein forms A230T, A286T, A292T, A341T, A376T, A377T, A392T, A393T.
Identifiers: ClinVar variation 3755174 (VCV003755174.3).

ClinVar aggregate classification (germline): Uncertain significance. Review status: criteria provided, multiple submitters, no conflicts (2 of 4 stars). 2 submissions from 2 submitters: Uncertain significance (2). Last evaluated 2025-01-09.

Conditions:
Tietz syndrome (TADS). Also called: HYPOPIGMENTATION/DEAFNESS OF TIETZ; TIETZ ALBINISM-DEAFNESS SYNDROME; ALBINISM-DEAFNESS OF TIETZ. Identifiers: Orphanet 42665, MedGen C0391816, MONDO:0007077, OMIM 103500.
Waardenburg syndrome type 2A (WS2A). Also called: WAARDENBURG SYNDROME WITHOUT DYSTOPIA CANTHORUM. Identifiers: Orphanet 3440, MedGen C1860339, MONDO:0008671, OMIM 193510.
Melanoma, cutaneous malignant, susceptibility to, 8. Also called: MELANOMA AND RENAL CELL CARCINOMA, SUSCEPTIBILITY TO; Cutaneous malignant melanoma 8. Identifiers: Orphanet 293822, MedGen C3152204, MONDO:0013759, OMIM 614456.
Hereditary cancer-predisposing syndrome. Also called: Tumor predisposition; Hereditary Cancer Syndrome; Hereditary neoplastic syndrome; Neoplastic Syndromes, Hereditary. Identifiers: Orphanet 140162, MedGen C0027672, MeSH D009386, MONDO:0015356.

Submissions (2):

Ambry Genetics
Classification: Uncertain significance for Hereditary cancer-predisposing syndrome. Last evaluated: 2025-01-09. Review status: criteria provided, single submitter. Criteria: Ambry Variant Classification Scheme 2023. Collection method: clinical testing. Allele origin: germline.
Comment: The p.A292T variant (also known as c.874G>A), located in coding exon 9 of the MITF gene, results from a G to A substitution at nucleotide position 874. The alanine at codon 292 is replaced by threonine, an amino acid with similar properties. This amino acid position is conserved. In addition, this alteration is predicted to be deleterious by in silico analysis. Based on the available evidence, the clinical significance of this variant remains unclear.

Labcorp Genetics (formerly Invitae), Labcorp
Classification: Uncertain significance for Melanoma, cutaneous malignant, susceptibility to, 8; Waardenburg syndrome type 2A; Tietz syndrome. Last evaluated: 2024-03-07. Review status: criteria provided, single submitter. Criteria: Invitae Variant Classification Sherloc (09022015). Collection method: clinical testing. Allele origin: germline.
Comment: This sequence change replaces alanine, which is neutral and non-polar, with threonine, which is neutral and polar, at codon 292 of the MITF protein (p.Ala292Thr). This variant is not present in population databases (gnomAD no frequency). This variant has not been reported in the literature in individuals affected with MITF-related conditions. Advanced modeling of protein sequence and biophysical properties (such as structural, functional, and spatial information, amino acid conservation, physicochemical variation, residue mobility, and thermodynamic stability) performed at Invitae indicates that this missense variant is expected to disrupt MITF protein function with a positive predictive value of 80%. In summary, the available evidence is currently insufficient to determine the role of this variant in disease. Therefore, it has been classified as a Variant of Uncertain Significance.